The following is an entry in ClinVar:

NM_000057.4(BLM):c.4022C>T (p.Ala1341Val)

Gene: BLM (BLM RecQ like helicase; plus strand). Cytogenetic location: 15q26.1.
Variant type: single nucleotide variant.
Coding change: c.4022C>T on transcript NM_000057.4 (MANE Select); coding-DNA position 4022, C replaced by T.
Protein change: p.Ala1341Val; replaces alanine 1341 with valine.
Molecular consequence: missense variant.
Genome position (GRCh38, 1-based): chr15:90,811,352, C>T. VCF-style: chr15-90811352-C-T. GRCh37 (hg19) VCF-style: chr15-91354582-C-T.
Other names: c.4022C>T, p.Ala1341Val (NM_001287246.2); c.3629C>T, p.Ala1210Val (NM_001287247.2); c.2897C>T, p.Ala966Val (NM_001287248.2); short protein forms A1341V, A966V, A1210V.
Identifiers: ClinVar variation 524781 (VCV000524781.19), dbSNP rs201149857, ClinGen allele CA7739175.
Genomic context (GRCh38, chr15:90,811,352, plus strand): 5'-TATCTTCCCACTACTTTGCAAGTAAAACCAGAAATGAAAGGAAGAGGAAAAAGATGCCAG[C>T]CTCCCAAAGGTCTAAGAGGAGAAAAACTGCTTCCAGTGGTTCCAAGGCAAAGGGGTATGT-3'
Protein context (NP_000048.1, residues 1331-1351): RNERKRKKMP[Ala1341Val]SQRSKRRKTA

ClinVar aggregate classification (germline): Conflicting classifications of pathogenicity. Review status: criteria provided, conflicting classifications (1 of 4 stars). 5 submissions from 5 submitters: Uncertain significance (4); Likely benign (1). Last evaluated 2026-02-01.

Conditions:
Hereditary breast ovarian cancer syndrome. Also called: BRCA1- and BRCA2-Associated Hereditary Breast and Ovarian Cancer; Breast and ovarian cancer; Hereditary breast and/or ovarian cancer syndrome; Hereditary breast and ovarian cancer syndrome; Hereditary breast and ovarian cancer; Hereditary breast and ovarian cancer syndrome (HBOC). Identifiers: Orphanet 145, MedGen C0677776, MeSH D061325, MONDO:0003582. Disease mechanism: loss of function.
Hereditary cancer-predisposing syndrome. Also called: Neoplastic Syndromes, Hereditary; Hereditary neoplastic syndrome; Tumor predisposition; Hereditary Cancer Syndrome. Identifiers: Orphanet 140162, MedGen C0027672, MeSH D009386, MONDO:0015356.
Bloom syndrome (BLM). Also called: Bloom-Torre-Machacek syndrome. Identifiers: Orphanet 125, MedGen C0005859, MONDO:0008876, OMIM 210900.

Allele frequency attached by ClinVar (database versions not stated): 1000 Genomes Project 0.00020; gnomAD exomes 0.00002 and 0.00010; gnomAD 0.00003 and 0.00005; TOPMed 0.00006; ExAC 0.00012; 1000 Genomes Project 30x 0.00016.
gnomAD v4.1: 44 of 1,614,156 alleles (0.0027%); highest among the groups gnomAD compares: East Asian, 0.085%; no homozygotes.

Submissions (5):

Labcorp Genetics (formerly Invitae), Labcorp
Classification: Uncertain significance for Bloom syndrome. Last evaluated: 2026-02-01. Review status: criteria provided, single submitter. Criteria: Invitae Variant Classification Sherloc (09022015). Collection method: clinical testing. Allele origin: germline.
Comment: This sequence change replaces alanine, which is neutral and non-polar, with valine, which is neutral and non-polar, at codon 1341 of the BLM protein (p.Ala1341Val). This variant is present in population databases (rs201149857, gnomAD 0.1%). This variant has not been reported in the literature in individuals affected with BLM-related conditions. ClinVar contains an entry for this variant (Variation ID: 524781). Invitae Evidence Modeling of protein sequence and biophysical properties (such as structural, functional, and spatial information, amino acid conservation, physicochemical variation, residue mobility, and thermodynamic stability) indicates that this missense variant is not expected to disrupt BLM protein function with a negative predictive value of 80%. In summary, the available evidence is currently insufficient to determine the role of this variant in disease. Therefore, it has been classified as a Variant of Uncertain Significance.

Quest Diagnostics Nichols Institute San Juan Capistrano
Classification: Uncertain significance. Last evaluated: 2025-10-14. Review status: criteria provided, single submitter. Criteria: Quest Diagnostics criteria. Collection method: clinical testing. Allele origin: unknown.
Comment: The BLM c.4022C>T (p.Ala1341Val) variant has been briefly reported in the published literature in individuals affected with ovarian cancer (PMID: 38509102 (2024)). The frequency of this variant in the general population (Genome Aggregation Database) is higher than would generally be expected for pathogenic variants in this gene. Analysis of this variant using bioinformatics tools for the prediction of the effect of amino acid changes on protein structure and function yielded predictions that this variant is benign. Based on the available information, we are unable to determine the clinical significance of this variant.

Ambry Genetics
Classification: Likely benign for Hereditary cancer-predisposing syndrome. Last evaluated: 2025-07-15. Review status: criteria provided, single submitter. Criteria: Ambry Variant Classification Scheme 2023. Collection method: clinical testing. Allele origin: germline.

Fulgent Genetics
Classification: Uncertain significance for Bloom syndrome. Last evaluated: 2024-04-15. Review status: criteria provided, single submitter. Criteria: ACMG Guidelines, 2015. Collection method: clinical testing. Allele origin: germline.

Cancer Genomics Group, Japanese Foundation For Cancer Research
Classification: Uncertain significance for Hereditary breast and ovarian cancer syndrome. Last evaluated: 2019-05-01. Review status: criteria provided, single submitter. Criteria: ACMG Guidelines, 2015. Collection method: research. Allele origin: germline. Affected: yes.

Literature cited by the submitters: PubMed 38509102 (cited by Quest Diagnostics Nichols Institute San Juan Capistrano).